The following is an entry in ClinVar:

NM_000051.4(ATM):c.3577-1G>T

Gene: ATM (ATM serine/threonine kinase; plus strand). Cytogenetic location: 11q22.3.
Variant type: single nucleotide variant.
Coding change: c.3577-1G>T on transcript NM_000051.4 (MANE Select); the canonical splice acceptor site of the intron before coding-DNA position 3577, G replaced by T.
Molecular consequence: splice acceptor variant.
Genome position (GRCh38, 1-based): chr11:108,282,709, G>T. VCF-style: chr11-108282709-G-T. GRCh37 (hg19) VCF-style: chr11-108153436-G-T.
Other names: c.3577-1G>T (NM_001351834.2).
Identifiers: ClinVar variation 1732834 (VCV001732834.2), dbSNP rs1057517226, ClinGen allele CA382522416.

ClinVar aggregate classification (germline): Likely pathogenic (1 of 4 stars; one submission).

Conditions:
Hereditary cancer-predisposing syndrome. Also called: Neoplastic Syndromes, Hereditary; Tumor predisposition; Hereditary Cancer Syndrome; Hereditary neoplastic syndrome. Identifiers: Orphanet 140162, MedGen C0027672, MeSH D009386, MONDO:0015356.

Submission:

Ambry Genetics
Classification: Likely pathogenic for Hereditary cancer-predisposing syndrome. Last evaluated: 2019-02-01. Review status: criteria provided, single submitter. Criteria: Ambry Variant Classification Scheme 2023. Collection method: clinical testing. Allele origin: germline.
Comment: The c.3577-1G>T intronic variant results from a G to T substitution one nucleotide upstream from coding exon 24 of the ATM gene. This nucleotide position is highly conserved in available vertebrate species. Using the BDGP and ESEfinder splice site prediction tools, this alteration is predicted to abolish the native splice acceptor site; however, direct evidence is unavailable. Alterations that disrupt the canonical splice site are expected to cause aberrant splicing, resulting in an abnormal protein or a transcript that is subject to nonsense-mediated mRNA decay. As such, this alteration is classified as likely pathogenic.